The following is an entry in ClinVar:

NM_014484.5(MOCS3):c.985C>T (p.Leu329=)

Gene: MOCS3 (molybdenum cofactor synthesis 3; plus strand). Cytogenetic location: 20q13.13.
Variant type: single nucleotide variant.
Coding change: c.985C>T on transcript NM_014484.5 (MANE Select); coding-DNA position 985, C replaced by T.
Protein change: p.Leu329=; no amino-acid change (leucine 329 retained).
Molecular consequence: synonymous variant.
Genome position (GRCh38, 1-based): chr20:50,959,827, C>T. VCF-style: chr20-50959827-C-T. GRCh37 (hg19) VCF-style: chr20-49576364-C-T.
Identifiers: ClinVar variation 2807178 (VCV002807178.3), dbSNP rs2515744769, ClinGen allele CA511023196.

ClinVar aggregate classification (germline): Uncertain significance (1 of 4 stars; one submission).

Submission:

Labcorp Genetics (formerly Invitae), Labcorp
Classification: Uncertain significance. Last evaluated: 2024-02-19. Review status: criteria provided, single submitter. Criteria: Invitae Variant Classification Sherloc (09022015). Collection method: clinical testing. Allele origin: germline.
Comment: This sequence change affects codon 329 of the MOCS3 mRNA. It is a 'silent' change, meaning that it does not change the encoded amino acid sequence of the MOCS3 protein. This variant is not present in population databases (gnomAD no frequency). This variant has not been reported in the literature in individuals affected with MOCS3-related conditions. In summary, the available evidence is currently insufficient to determine the role of this variant in disease. Therefore, it has been classified as a Variant of Uncertain Significance.